The following is an entry in ClinVar:

NC_000001.10:g.(?_1249188)_(1961741_?)del

Genes: ANKRD65 (ankyrin repeat domain 65; minus strand), ATAD3A (ATPase family AAA domain containing 3A; plus strand), ATAD3B (ATPase family AAA domain containing 3B; plus strand), ATAD3C (ATPase family AAA domain containing 3C; plus strand), AURKAIP1 (aurora kinase A interacting protein 1; minus strand) and 24 more. Cytogenetic location: 1p36.33.
Variant type: Deletion.
Identifiers: ClinVar variation 583548 (VCV000583548.4).

ClinVar aggregate classification (germline): Uncertain significance (1 of 4 stars; one submission).

Conditions:
Idiopathic generalized epilepsy. Also called: EIG; Generalised epilepsy. Identifiers: MedGen C0270850, MONDO:0005579, OMIM 600669.

Submission:

Labcorp Genetics (formerly Invitae), Labcorp
Classification: Uncertain significance for Idiopathic generalized epilepsy. Last evaluated: 2019-11-18. Review status: criteria provided, single submitter. Criteria: Invitae Variant Classification Sherloc (09022015). Collection method: clinical testing. Allele origin: germline.
Comment: A gross deletion of the genomic region encompassing the full coding sequence of the GABRD gene has been identified. The boundaries of this event are unknown as the deletion extends beyond the assayed region for this gene and therefore may encompass additional genes. This variant has not been reported in the literature in individuals with GABRD-related conditions. The current clinical and genetic evidence is not sufficient to establish whether loss-of-function variants in GABRD cause disease. In summary, the available evidence is currently insufficient to determine the role of this variant in disease. Therefore, it has been classified as a Variant of Uncertain Significance.